The following is an entry in ClinVar:

ClinVar aggregate classification (germline): Pathogenic (1 of 4 stars; one submission).

Conditions:
Spastic paraplegia. Identifiers: MedGen C0037772, HP:0001258.

Allele frequency attached by ClinVar (database versions not stated): gnomAD exomes below 0.00001.

Submission:

Labcorp Genetics (formerly Invitae), Labcorp
Classification: Pathogenic for Spastic paraplegia. Last evaluated: 2022-10-06. Review status: criteria provided, single submitter. Criteria: Invitae Variant Classification Sherloc (09022015). Collection method: clinical testing. Allele origin: germline.
Comment: This variant is not present in population databases (gnomAD no frequency). This variant has not been reported in the literature in individuals affected with SACS-related conditions. This variant disrupts a region of the SACS protein in which other variant(s) (p.Asn4549Asp) have been determined to be pathogenic (PMID: 15156359, 21507954). This suggests that this is a clinically significant region of the protein, and that variants that disrupt it are likely to be disease-causing. For these reasons, this variant has been classified as Pathogenic. This sequence change creates a premature translational stop signal (p.Ser3256Lysfs*14) in the SACS gene. While this is not anticipated to result in nonsense mediated decay, it is expected to disrupt the last 1324 amino acid(s) of the SACS protein.

Literature cited by the submitters: PubMed 15156359; PubMed 21507954.

NM_014363.6(SACS):c.9764dup (p.Ser3256fs)

Gene: SACS (sacsin molecular chaperone; minus strand). Cytogenetic location: 13q12.12.
Variant type: Duplication.
Coding change: c.9764dup on transcript NM_014363.6 (MANE Select); coding-DNA position 9764, one base duplicated (T; older notation c.9764dupT).
Protein change: p.Ser3256fs; shifts the reading frame from serine 3256.
Molecular consequence: frameshift variant.
Genome position (GRCh38, 1-based): chr13:23,334,112, A duplicated on the plus strand (T on the coding strand, the reverse complement: SACS is on the minus strand). VCF-style (leftmost placement, unchanged base first): chr13-23334111-T-TA. GRCh37 (hg19) VCF-style: chr13-23908250-T-TA.
Other names: c.9323dup, p.Ser3109fs (NM_001278055.2); short protein forms S3109fs, S3256fs.
Identifiers: ClinVar variation 2034345 (VCV002034345.4), dbSNP rs2542195126, ClinGen allele CA2580086891.